The following is an entry in ClinVar:

NM_000565.4(IL6R):c.1300C>T (p.Pro434Ser)

Gene: IL6R (interleukin 6 receptor; plus strand). Cytogenetic location: 1q21.3.
Variant type: single nucleotide variant.
Coding change: c.1300C>T on transcript NM_000565.4 (MANE Select); coding-DNA position 1300, C replaced by T.
Protein change: p.Pro434Ser; replaces proline 434 with serine.
Molecular consequence: missense variant. On other transcripts: 3 prime UTR variant (2).
Genome position (GRCh38, 1-based): chr1:154,465,273, C>T. VCF-style: chr1-154465273-C-T. GRCh37 (hg19) VCF-style: chr1-154437749-C-T.
Other names: c.1399C>T, p.Pro467Ser (NM_001382769.1); c.1393C>T, p.Pro465Ser (NM_001382770.1); c.1348C>T, p.Pro450Ser (NM_001382771.1); c.1294C>T, p.Pro432Ser (NM_001382772.1); c.*108C>T (NM_001382773.1, NM_181359.3); c.940C>T, p.Pro314Ser (NM_001382774.1); short protein forms P450S, P467S, P314S, P432S, P434S, P465S.
Identifiers: ClinVar variation 1914868 (VCV001914868.3), dbSNP rs150069111, ClinGen allele CA1129342.

ClinVar aggregate classification (germline): Uncertain significance (1 of 4 stars; one submission).

Allele frequency attached by ClinVar (database versions not stated): TOPMed below 0.00001; ExAC 0.00001; gnomAD exomes 0.00002; ESP Exome Variant Server 0.00008.
gnomAD v4.1: 31 of 1,614,192 alleles (0.0019%); highest among the groups gnomAD compares: Non-Finnish European, 0.0026%; no homozygotes.

Submission:

Labcorp Genetics (formerly Invitae), Labcorp
Classification: Uncertain significance. Last evaluated: 2022-03-27. Review status: criteria provided, single submitter. Criteria: Invitae Variant Classification Sherloc (09022015). Collection method: clinical testing. Allele origin: germline.
Comment: In summary, the available evidence is currently insufficient to determine the role of this variant in disease. Therefore, it has been classified as a Variant of Uncertain Significance. Algorithms developed to predict the effect of missense changes on protein structure and function are either unavailable or do not agree on the potential impact of this missense change (SIFT: "Tolerated"; PolyPhen-2: "Probably Damaging"; Align-GVGD: "Class C0"). This variant has not been reported in the literature in individuals affected with IL6R-related conditions. This variant is present in population databases (rs150069111, gnomAD 0.0009%). This sequence change replaces proline, which is neutral and non-polar, with serine, which is neutral and polar, at codon 434 of the IL6R protein (p.Pro434Ser).